The following is an entry in ClinVar:

NM_003489.4(NRIP1):c.2257G>C (p.Val753Leu)

Gene: NRIP1 (nuclear receptor interacting protein 1; minus strand). Cytogenetic location: 21q11.2.
Variant type: single nucleotide variant.
Coding change: c.2257G>C on transcript NM_003489.4 (MANE Select); coding-DNA position 2257, G replaced by C.
Protein change: p.Val753Leu; replaces valine 753 with leucine.
Molecular consequence: missense variant.
Genome position (GRCh38, 1-based): chr21:14,965,936, C>G on the plus strand (G>C on the coding strand, the complement: NRIP1 is on the minus strand). VCF-style: chr21-14965936-C-G. GRCh37 (hg19) VCF-style: chr21-16338257-C-G.
Other names: short protein forms V753L.
Identifiers: ClinVar variation 2758969 (VCV002758969.3), dbSNP rs2516255688, ClinGen allele CA409828287.

ClinVar aggregate classification (germline): Uncertain significance (1 of 4 stars; one submission).

Submission:

Labcorp Genetics (formerly Invitae), Labcorp
Classification: Uncertain significance. Last evaluated: 2023-12-02. Review status: criteria provided, single submitter. Criteria: Invitae Variant Classification Sherloc (09022015). Collection method: clinical testing. Allele origin: germline.
Comment: This sequence change replaces valine, which is neutral and non-polar, with leucine, which is neutral and non-polar, at codon 753 of the NRIP1 protein (p.Val753Leu). This variant is not present in population databases (gnomAD no frequency). This variant has not been reported in the literature in individuals affected with NRIP1-related conditions. An algorithm developed to predict the effect of missense changes on protein structure and function (PolyPhen-2) suggests that this variant is likely to be disruptive. In summary, the available evidence is currently insufficient to determine the role of this variant in disease. Therefore, it has been classified as a Variant of Uncertain Significance.